The following is an entry in ClinVar:

NM_004984.4(KIF5A):c.396+14G>A

Gene: KIF5A (kinesin family member 5A; plus strand). Cytogenetic location: 12q13.3.
Variant type: single nucleotide variant.
Coding change: c.396+14G>A on transcript NM_004984.4 (MANE Select); 14 bases into the intron after coding-DNA position 396, G replaced by A.
Molecular consequence: intron variant.
Genome position (GRCh38, 1-based): chr12:57,564,226, G>A. VCF-style: chr12-57564226-G-A. GRCh37 (hg19) VCF-style: chr12-57958009-G-A.
Other names: c.130-234G>A (NM_001354705.2).
Identifiers: ClinVar variation 309933 (VCV000309933.20), dbSNP rs17119769, ClinGen allele CA6652569.
Genomic context (GRCh38, chr12:57,564,226, plus strand): 5'-TCAACCACATCTACTCCATGGATGAGAACCTTGAGTTCCACATCAAGGTGACCAGGGCAC[G>A]ACAGCTGGGCATTCAGATGGGGACTGGGAGGGGAAGATCTAAAATCTTCCCACTGAAGAG-3'

ClinVar aggregate classification (germline): Benign/Likely benign. Review status: criteria provided, multiple submitters, no conflicts (2 of 4 stars). 5 submissions from 5 submitters: Benign (3); Likely benign (2). Last evaluated 2026-01-31.

Conditions:
Hereditary spastic paraplegia 10 (SPG10). Also called: SPASTIC PARAPLEGIA 10, AUTOSOMAL DOMINANT; SPASTIC PARAPLEGIA 10 WITH OR WITHOUT PERIPHERAL NEUROPATHY; SPASTIC PARAPLEGIA 10 WITH PERIPHERAL NEUROPATHY. Identifiers: Orphanet 100991, MedGen C1858712, MONDO:0011408, OMIM 604187.
Spastic paraplegia. Identifiers: MedGen C0037772, HP:0001258.

Allele frequency attached by ClinVar (database versions not stated): gnomAD exomes 0.00063 and 0.00170; ExAC 0.00226; gnomAD 0.00646 and 0.00700; 1000 Genomes Project 30x 0.00656; 1000 Genomes Project 0.00679; ESP Exome Variant Server 0.00707; TOPMed 0.00761.
gnomAD v4.1: 1,873 of 1,547,070 alleles (0.12%); highest among the groups gnomAD compares: African/African-American, 2.3%; 40 homozygotes.

Submissions (5):

Labcorp Genetics (formerly Invitae), Labcorp
Classification: Benign for Spastic paraplegia. Last evaluated: 2026-01-31. Review status: criteria provided, single submitter. Criteria: Invitae Variant Classification Sherloc (09022015). Collection method: clinical testing. Allele origin: germline.

ARUP Laboratories, Molecular Genetics and Genomics, ARUP Laboratories
Classification: Likely benign. Last evaluated: 2021-03-04. Review status: criteria provided, single submitter. Criteria: ARUP Molecular Germline Variant Investigation Process 2021. Collection method: clinical testing. Allele origin: germline.

Illumina Laboratory Services, Illumina
Classification: Benign for Hereditary spastic paraplegia 10. Last evaluated: 2018-01-13. Review status: criteria provided, single submitter. Criteria: ICSL Variant Classification Criteria 13 December 2019. Collection method: clinical testing. Allele origin: germline.
Comment: This variant was observed in the ICSL laboratory as part of a predisposition screen in an ostensibly healthy population. It had not been previously curated by ICSL or reported in the Human Gene Mutation Database (HGMD: prior to June 1st, 2018), and was therefore a candidate for classification through an automated scoring system. Utilizing variant allele frequency, disease prevalence and penetrance estimates, and inheritance mode, an automated score was calculated to assess if this variant is too frequent to cause the disease. Based on the score and internal cut-off values, a variant classified as benign is not then subjected to further curation. The score for this variant resulted in a classification of benign for this disease.

GeneDx
Classification: Benign. Last evaluated: 2016-12-29. Review status: criteria provided, single submitter. Criteria: GeneDx Variant Classification (06012015). Collection method: clinical testing. Allele origin: germline. Affected: yes.
Comment: This variant is considered likely benign or benign based on one or more of the following criteria: it is a conservative change, it occurs at a poorly conserved position in the protein, it is predicted to be benign by multiple in silico algorithms, and/or has population frequency not consistent with disease.

Breakthrough Genomics
Classification: Likely benign. Review status: criteria provided, single submitter. Criteria: ACMG Guidelines, 2015. Collection method: not provided. Allele origin: germline. Inheritance: Autosomal dominant inheritance. Affected: yes.